The following is an entry in ClinVar:

NM_024120.5(NDUFAF5):c.216G>A (p.Lys72=)

Gene: NDUFAF5 (NADH:ubiquinone oxidoreductase complex assembly factor 5; plus strand). Cytogenetic location: 20p12.1.
Variant type: single nucleotide variant.
Coding change: c.216G>A on transcript NM_024120.5 (MANE Select); coding-DNA position 216, G replaced by A.
Protein change: p.Lys72=; no amino-acid change (lysine 72 retained).
Molecular consequence: synonymous variant. On other transcripts: non-coding transcript variant (7), 5 prime UTR variant (3).
Genome position (GRCh38, 1-based): chr20:13,785,284, G>A. VCF-style: chr20-13785284-G-A. GRCh37 (hg19) VCF-style: chr20-13765930-G-A.
Other names: c.216G>A, p.Lys72= (NM_001039375.3, NM_001352408.2); c.-152G>A (NM_001352403.2); c.-366G>A (NM_001352406.2); c.-480G>A (NM_001352407.2).
Identifiers: ClinVar variation 377595 (VCV000377595.39), dbSNP rs377716355, ClinGen allele CA9767611.

ClinVar aggregate classification (germline): Likely benign. Review status: criteria provided, multiple submitters, no conflicts (2 of 4 stars). 7 submissions from 7 submitters: Likely benign (4). 3 of the submissions do not count toward it. Last evaluated 2026-09-01.

Allele frequency attached by ClinVar (database versions not stated): 1000 Genomes Project 30x 0.00016; gnomAD exomes 0.00057; ExAC 0.00058; TOPMed 0.00059; gnomAD 0.00066 and 0.00067; ESP Exome Variant Server 0.00070.
gnomAD v4.1: 1,401 of 1,581,338 alleles (0.089%); highest among the groups gnomAD compares: Non-Finnish European, 0.12%; no homozygotes.

Submissions (7):

CeGaT Center for Human Genetics Tuebingen
Classification: Likely benign. Last evaluated: 2026-09-01. Review status: criteria provided, single submitter. Criteria: CeGaT Center For Human Genetics Tuebingen Variant Classification Criteria Version 2. Collection method: clinical testing. Allele origin: germline. Affected: yes. Observed: 3 variant alleles.
Comment: NDUFAF5: BP4, BP7

Labcorp Genetics (formerly Invitae), Labcorp
Classification: Likely benign. Last evaluated: 2026-01-26. Review status: criteria provided, single submitter. Criteria: Invitae Variant Classification Sherloc (09022015). Collection method: clinical testing. Allele origin: germline.

Blueprint Genetics
Classification: Likely benign. Last evaluated: 2024-10-31. Review status: criteria provided, single submitter. Criteria: ACMG Guidelines, 2015. Collection method: clinical testing. Allele origin: germline.

GeneDx
Classification: Likely benign. Last evaluated: 2021-09-20. Review status: criteria provided, single submitter. Criteria: GeneDx Variant Classification Process June 2021. Collection method: clinical testing. Allele origin: germline. Affected: yes.

Mayo Clinic Laboratories, Mayo Clinic
Classification: Likely benign. Last evaluated: 2016-02-26. Review status: no assertion criteria provided. Collection method: clinical testing. Allele origin: unknown. Not counted in ClinVar's aggregate classification.

Clinical Genetics DNA and cytogenetics Diagnostics Lab, Erasmus MC, Erasmus Medical Center
Classification: Likely benign. Review status: no assertion criteria provided. Collection method: clinical testing. Allele origin: germline. Affected: yes. Study: VKGL Data-share Consensus. Not counted in ClinVar's aggregate classification.

Diagnostic Laboratory, Department of Genetics, University Medical Center Groningen
Classification: Likely benign. Review status: no assertion criteria provided. Collection method: clinical testing. Allele origin: germline. Affected: yes. Study: VKGL Data-share Consensus. Not counted in ClinVar's aggregate classification.